The following is an entry in ClinVar:

NM_031935.3(HMCN1):c.4778A>C (p.Gln1593Pro)

Gene: HMCN1 (hemicentin 1; plus strand). Cytogenetic location: 1q31.1.
Variant type: single nucleotide variant.
Coding change: c.4778A>C on transcript NM_031935.3 (MANE Select); coding-DNA position 4778, A replaced by C.
Protein change: p.Gln1593Pro; replaces glutamine 1593 with proline.
Molecular consequence: missense variant.
Genome position (GRCh38, 1-based): chr1:186,015,306, A>C. VCF-style: chr1-186015306-A-C. GRCh37 (hg19) VCF-style: chr1-185984438-A-C.
Other names: short protein forms Q1593P.
Identifiers: ClinVar variation 2552524 (VCV002552524.5), dbSNP rs781564468, ClinGen allele CA1292096.

ClinVar aggregate classification (germline): Uncertain significance. Review status: criteria provided, multiple submitters, no conflicts (2 of 4 stars). 2 submissions from 2 submitters: Uncertain significance (2). Last evaluated 2025-01-15.

Allele frequency attached by ClinVar (database versions not stated): TOPMed below 0.00001; ExAC 0.00001; gnomAD 0.00001; gnomAD exomes 0.00001.
gnomAD v4.1: 10 of 1,613,698 alleles (0.00062%); highest among the groups gnomAD compares: East Asian, 0.02%; no homozygotes.

Submissions (2):

Labcorp Genetics (formerly Invitae), Labcorp
Classification: Uncertain significance. Last evaluated: 2025-01-15. Review status: criteria provided, single submitter. Criteria: Invitae Variant Classification Sherloc (09022015). Collection method: clinical testing. Allele origin: germline.
Comment: This sequence change replaces glutamine, which is neutral and polar, with proline, which is neutral and non-polar, at codon 1593 of the HMCN1 protein (p.Gln1593Pro). This variant is present in population databases (rs781564468, gnomAD 0.006%). This variant has not been reported in the literature in individuals affected with HMCN1-related conditions. ClinVar contains an entry for this variant (Variation ID: 2552524). An algorithm developed to predict the effect of missense changes on protein structure and function (PolyPhen-2) suggests that this variant is likely to be disruptive. In summary, the available evidence is currently insufficient to determine the role of this variant in disease. Therefore, it has been classified as a Variant of Uncertain Significance.

Ambry Genetics
Classification: Uncertain significance. Last evaluated: 2023-05-30. Review status: criteria provided, single submitter. Criteria: Ambry Variant Classification Scheme 2023. Collection method: clinical testing. Allele origin: germline.